The following is an entry in ClinVar:

NM_000455.5(STK11):c.947C>G (p.Ala316Gly)

Gene: STK11 (serine/threonine kinase 11; plus strand). Cytogenetic location: 19p13.3.
Variant type: single nucleotide variant.
Coding change: c.947C>G on transcript NM_000455.5 (MANE Select); coding-DNA position 947, C replaced by G.
Protein change: p.Ala316Gly; replaces alanine 316 with glycine.
Molecular consequence: missense variant.
Genome position (GRCh38, 1-based): chr19:1,223,011, C>G. VCF-style: chr19-1223011-C-G. GRCh37 (hg19) VCF-style: chr19-1223010-C-G.
Other names: p.Ala316Gly; short protein forms A316G.
Identifiers: ClinVar variation 458074 (VCV000458074.31), dbSNP rs751709130, ClinGen allele CA049785.

ClinVar aggregate classification (germline): Conflicting classifications of pathogenicity. Review status: criteria provided, conflicting classifications (1 of 4 stars). 11 submissions from 11 submitters: Uncertain significance (8); Benign (2); Likely benign (1). Last evaluated 2026-03-20.

Conditions:
Peutz-Jeghers syndrome (PJS). Also called: POLYPOSIS, HAMARTOMATOUS INTESTINAL; POLYPS-AND-SPOTS SYNDROME; Peutz-Jeghers polyposis; Periorificial lentiginosis syndrome. Identifiers: Orphanet 2869, MedGen C0031269, MeSH D010580, MONDO:0008280, OMIM 175200.
Melanoma, cutaneous malignant, susceptibility to, 1 (CMM1). Also called: B-K MOLE SYNDROME; MELANOMA, MALIGNANT; DYSPLASTIC NEVUS SYNDROME, HEREDITARY; FAMILIAL ATYPICAL MOLE-MALIGNANT MELANOMA SYNDROME. Identifiers: Orphanet 618, MedGen C1835047, MONDO:0007963, OMIM 155600.
Germ cell tumor of testis (TGCT). Also called: GERM CELL TUMOR, SOMATIC; Testicular germ cell tumor. Identifiers: Orphanet 363504, MedGen C1336708, MONDO:0010108, OMIM 273300.
Familial pancreatic carcinoma. Identifiers: Orphanet 1333, MedGen C2931038, MONDO:0015278, OMIM 260350.
Hereditary cancer-predisposing syndrome. Also called: Neoplastic Syndromes, Hereditary; Hereditary Cancer Syndrome; Hereditary neoplastic syndrome; Tumor predisposition. Identifiers: Orphanet 140162, MedGen C0027672, MeSH D009386, MONDO:0015356.

Allele frequency attached by ClinVar (database versions not stated): TOPMed 0.00002; gnomAD 0.00001; gnomAD exomes 0.00001; ExAC 0.00004.
gnomAD v4.1: 15 of 1,574,076 alleles (0.00095%); highest among the groups gnomAD compares: African/African-American, 0.0027%; no homozygotes.

Submissions (11):

Women's Health and Genetics/Laboratory Corporation of America, LabCorp
Classification: Likely benign. Last evaluated: 2026-03-20. Review status: criteria provided, single submitter. Criteria: LabCorp Variant Classification Summary - May 2015. Collection method: clinical testing. Allele origin: germline.
Comment: Variant summary: STK11 c.947C>G (p.Ala316Gly) results in a non-conservative amino acid change in the encoded protein sequence. Algorithms developed to predict the effect of missense changes on protein structure and function are either unavailable or do not agree on the potential impact of this missense change. The variant allele was found at a frequency of 9.5e-06 in 1574076 control chromosomes. The observed variant frequency exceeds the estimated maximal expected allele frequency for disease-causing variants in STK11. To our knowledge, no occurrence of c.947C>G in individuals affected with STK11-related conditions and no experimental evidence demonstrating its impact on protein function have been reported. ClinVar contains an entry for this variant (Variation ID: 458074). Based on the evidence outlined above, the variant was classified as likely benign.

Institute for Biomarker Research, Medical Diagnostic Laboratories, L.L.C.
Classification: Uncertain significance for Hereditary cancer-predisposing syndrome. Last evaluated: 2026-03-09. Review status: criteria provided, single submitter. Criteria: ACMG Guidelines, 2015. Collection method: clinical testing. Allele origin: germline.
Comment: The missense variant NM_000455.5(STK11):c.947C>G (p.Ala316Gly) is not currently classified as pathogenic or benign in clinical sources (Accession: VCV000458074.29). The p.Ala316Gly variant is observed in 2/74,026 (0.0027%) alleles from individuals of gnomAD v4 African background in gnomAD v4 All. There is a small physicochemical difference between alanine and glycine, which is not likely to impact secondary protein structure as these residues share similar properties. The gene STK11 has a low rate of benign missense variation as indicated by a high missense variants Z-Score of 1.60. For these reasons, this variant has been classified as Uncertain Significance.

Labcorp Genetics (formerly Invitae), Labcorp
Classification: Benign for Peutz-Jeghers syndrome. Last evaluated: 2025-11-26. Review status: criteria provided, single submitter. Criteria: Invitae Variant Classification Sherloc (09022015). Collection method: clinical testing. Allele origin: germline.

Department of Pathology and Laboratory Medicine, Sinai Health System
Classification: Uncertain significance for Melanoma, cutaneous malignant, susceptibility to, 1; Peutz-Jeghers syndrome; Familial pancreatic carcinoma; Germ cell tumor of testis. Last evaluated: 2024-10-15. Review status: criteria provided, single submitter. Criteria: ACMG Guidelines, 2015. Collection method: clinical testing. Allele origin: germline.

Color Diagnostics, LLC DBA Color Health
Classification: Uncertain significance for Hereditary cancer-predisposing syndrome. Last evaluated: 2024-03-06. Review status: criteria provided, single submitter. Criteria: ACMG Guidelines, 2015. Collection method: clinical testing. Allele origin: germline.
Comment: This missense variant replaces alanine with glycine at codon 316 of the STK11 protein. Computational prediction suggests that this variant may not impact protein structure and function (internally defined REVEL score threshold <= 0.5, PMID: 27666373). To our knowledge, functional studies have not been reported for this variant. This variant has not been reported in individuals affected with hereditary cancer in the literature. This variant has not been identified in the general population by the Genome Aggregation Database (gnomAD). The available evidence is insufficient to determine the role of this variant in disease conclusively. Therefore, this variant is classified as a Variant of Uncertain Significance.

Ambry Genetics
Classification: Benign for Hereditary cancer-predisposing syndrome. Last evaluated: 2023-12-27. Review status: criteria provided, single submitter. Criteria: Ambry Variant Classification Scheme 2023. Collection method: clinical testing. Allele origin: germline.

GeneDx
Classification: Uncertain significance. Last evaluated: 2023-11-06. Review status: criteria provided, single submitter. Criteria: GeneDx Variant Classification Process June 2021. Collection method: clinical testing. Allele origin: germline. Affected: yes.
Comment: Not observed at significant frequency in large population cohorts (gnomAD); In silico analysis supports that this missense variant does not alter protein structure/function; Has not been previously published as pathogenic or benign to our knowledge; This variant is associated with the following publications: (PMID: 28900777)

All of Us Research Program, National Institutes of Health
Classification: Uncertain significance for Peutz-Jeghers syndrome. Last evaluated: 2023-10-30. Review status: criteria provided, single submitter. Criteria: ACMG Guidelines, 2015. Collection method: clinical testing. Allele origin: germline. Inheritance: Autosomal dominant inheritance. Observed: 2 variant alleles, 2 heterozygotes.
Comment: This missense variant replaces alanine with glycine at codon 316 of the STK11 protein. Computational prediction suggests that this variant may not impact protein structure and function (internally defined REVEL score threshold <= 0.5, PMID: 27666373). To our knowledge, functional studies have not been reported for this variant. This variant has not been reported in individuals affected with hereditary cancer in the literature. This variant has not been identified in the general population by the Genome Aggregation Database (gnomAD). The available evidence is insufficient to determine the role of this variant in disease conclusively. Therefore, this variant is classified as a Variant of Uncertain Significance.

This study involves interpretation of variants in research participants for the purpose of population health screening. Participant phenotype was not available at the time of variant classification. Additional details can be found in publication PMID: 35346344, PMCID: PMC8962531

Mayo Clinic Laboratories, Mayo Clinic
Classification: Uncertain significance. Last evaluated: 2023-07-06. Review status: criteria provided, single submitter. Criteria: ACMG Guidelines, 2015. Collection method: clinical testing. Allele origin: germline. Observed: 1 variant allele.
Comment: BP4, PM2_moderate

MGZ Medical Genetics Center
Classification: Uncertain significance for Peutz-Jeghers syndrome. Last evaluated: 2022-07-18. Review status: criteria provided, single submitter. Criteria: ACMG Guidelines, 2015. Collection method: clinical testing. Allele origin: germline. Affected: yes. Observed: 1 variant allele.
Comment: ACMG criteria applied: PM2_SUP, BP4

Genome-Nilou Lab
Classification: Uncertain significance for Peutz-Jeghers syndrome. Last evaluated: 2021-07-15. Review status: criteria provided, single submitter. Criteria: ACMG Guidelines, 2015. Collection method: clinical testing. Allele origin: germline. Affected: no.

Literature cited by the submitters: PubMed 33471991 (cited by Department of Pathology and Laboratory Medicine, Sinai Health System).